The following is an entry in ClinVar:

ClinVar aggregate classification (germline): Uncertain significance (1 of 4 stars; one submission).

Conditions:
Dilated cardiomyopathy 1W (CMD1W). Identifiers: Orphanet 154, MedGen C1969639, MONDO:0012667, OMIM 611407.

Allele frequency attached by ClinVar (database versions not stated): gnomAD exomes below 0.00001.
gnomAD v4.1: 1 of 1,594,732 alleles (0.000063%); highest among the groups gnomAD compares: Non-Finnish European, 0.000085%; no homozygotes.

Submission:

Labcorp Genetics (formerly Invitae), Labcorp
Classification: Uncertain significance for Dilated cardiomyopathy 1W. Last evaluated: 2017-10-26. Review status: criteria provided, single submitter. Criteria: Invitae Variant Classification Sherloc (09022015). Collection method: clinical testing. Allele origin: germline.
Comment: In summary, the available evidence is currently insufficient to determine the role of this variant in disease. Therefore, it has been classified as a Variant of Uncertain Significance. Algorithms developed to predict the effect of missense changes on protein structure and function do not agree on the potential impact of this missense change (SIFT: "Tolerated"; PolyPhen-2: "Probably Damaging"; Align-GVGD: "Class C0"). This variant has not been reported in the literature in individuals with VCL-related disease. This variant is not present in population databases (ExAC no frequency). This sequence change replaces glutamic acid with alanine at codon 1082 of the VCL protein (p.Glu1082Ala). The glutamic acid residue is moderately conserved and there is a moderate physicochemical difference between glutamic acid and alanine.

NM_014000.3(VCL):c.3245A>C (p.Glu1082Ala)

Gene: VCL (vinculin; plus strand). Cytogenetic location: 10q22.2.
Variant type: single nucleotide variant.
Coding change: c.3245A>C on transcript NM_014000.3 (MANE Select); coding-DNA position 3245, A replaced by C.
Protein change: p.Glu1082Ala; replaces glutamic acid 1082 with alanine.
Molecular consequence: missense variant.
Genome position (GRCh38, 1-based): chr10:74,114,886, A>C. VCF-style: chr10-74114886-A-C. GRCh37 (hg19) VCF-style: chr10-75874644-A-C.
Other names: c.3041A>C, p.Glu1014Ala (NM_003373.4); short protein forms E1082A, E1014A.
Identifiers: ClinVar variation 536701 (VCV000536701.7), dbSNP rs1554819693, ClinGen allele CA377267645.
Genomic context (GRCh38, chr10:74,114,886, plus strand): 5'-AGCTCAAAATCCTGTCCACAGTGAAGGCCACCATGCTGGGCCGGACCAACATCAGTGATG[A>C]GGAGTCTGAGCAGGTATGTGGCAGCTGTTTTTGGTTTCTGGCTGGCAGCTTCTGTGCCGT-3'
Protein context (NP_054706.1, residues 1072-1092): TMLGRTNISD[Glu1082Ala]ESEQATEMLV